The following is an entry in ClinVar:

NM_138387.4(G6PC3):c.20C>T (p.Ala7Val)

Gene: G6PC3 (glucose-6-phosphatase catalytic subunit 3; plus strand). Cytogenetic location: 17q21.31.
Variant type: single nucleotide variant.
Coding change: c.20C>T on transcript NM_138387.4 (MANE Select); coding-DNA position 20, C replaced by T.
Protein change: p.Ala7Val; replaces alanine 7 with valine.
Molecular consequence: missense variant. On other transcripts: 5 prime UTR variant (3), intron variant (1).
Genome position (GRCh38, 1-based): chr17:44,070,985, C>T. VCF-style: chr17-44070985-C-T. GRCh37 (hg19) VCF-style: chr17-42148353-C-T.
Other names: c.20C>T, p.Ala7Val (NM_001319945.2); c.-385C>T (NM_001384165.1); c.-520C>T (NM_001384166.1); c.-510C>T (NM_001384167.1); c.-312+271C>T (NM_001384168.1); short protein forms A7V.
Identifiers: ClinVar variation 4871601 (VCV004871601.1).

ClinVar aggregate classification (germline): Uncertain significance (1 of 4 stars; one submission).

Conditions:
Inborn genetic diseases. Identifiers: MedGen C0950123, MeSH D030342.

gnomAD v4.1: 3 of 1,554,802 alleles (0.00019%); highest among the groups gnomAD compares: Non-Finnish European, 0.00026%; no homozygotes.

Submission:

Ambry Genetics
Classification: Uncertain significance for Inborn genetic diseases. Last evaluated: 2026-05-15. Review status: criteria provided, single submitter. Criteria: Ambry Variant Classification Scheme 2023. Collection method: clinical testing. Allele origin: germline.
Comment: The p.A7V variant (also known as c.20C>T), located in coding exon 1 of the G6PC3 gene, results from a C to T substitution at nucleotide position 20. The alanine at codon 7 is replaced by valine, an amino acid with similar properties. This amino acid position is conserved. In addition, this alteration is predicted to be tolerated by in silico analysis. Based on the available evidence, the clinical significance of this variant remains unclear.